The following is an entry in ClinVar:

ClinVar aggregate classification (germline): Conflicting classifications of pathogenicity. Review status: criteria provided, conflicting classifications (1 of 4 stars). 3 submissions from 3 submitters: Likely pathogenic (1); Uncertain significance (2). Last evaluated 2025-04-29.

Allele frequency attached by ClinVar (database versions not stated): TOPMed 0.00002; ExAC 0.00003; gnomAD 0.00003 and 0.00004; gnomAD exomes 0.00004.

Submissions (3):

Labcorp Genetics (formerly Invitae), Labcorp
Classification: Uncertain significance. Last evaluated: 2025-04-29. Review status: criteria provided, single submitter. Criteria: Invitae Variant Classification Sherloc (09022015). Collection method: clinical testing. Allele origin: germline.
Comment: This sequence change replaces tryptophan, which is neutral and slightly polar, with cysteine, which is neutral and slightly polar, at codon 668 of the P3H2 protein (p.Trp668Cys). This variant is present in population databases (rs745507744, gnomAD 0.008%). This variant has not been reported in the literature in individuals affected with P3H2-related conditions. ClinVar contains an entry for this variant (Variation ID: 452400). Invitae Evidence Modeling of protein sequence and biophysical properties (such as structural, functional, and spatial information, amino acid conservation, physicochemical variation, residue mobility, and thermodynamic stability) indicates that this missense variant is expected to disrupt P3H2 protein function with a positive predictive value of 80%. In summary, the available evidence is currently insufficient to determine the role of this variant in disease. Therefore, it has been classified as a Variant of Uncertain Significance.

Blueprint Genetics
Classification: Uncertain significance. Last evaluated: 2024-11-11. Review status: criteria provided, single submitter. Criteria: ACMG Guidelines, 2015. Collection method: clinical testing. Allele origin: germline.

GeneDx
Classification: Likely pathogenic. Last evaluated: 2020-05-21. Review status: criteria provided, single submitter. Criteria: GeneDx Variant Classification Process June 2021. Collection method: clinical testing. Allele origin: germline. Affected: yes.
Comment: In silico analysis supports that this missense variant has a deleterious effect on protein structure/function; Has not been previously published as pathogenic or benign to our knowledge

NM_018192.4(P3H2):c.2004G>C (p.Trp668Cys)

Gene: P3H2 (prolyl 3-hydroxylase 2; minus strand). Cytogenetic location: 3q28.
Variant type: single nucleotide variant.
Coding change: c.2004G>C on transcript NM_018192.4 (MANE Select); coding-DNA position 2004, G replaced by C.
Protein change: p.Trp668Cys; replaces tryptophan 668 with cysteine.
Molecular consequence: missense variant.
Genome position (GRCh38, 1-based): chr3:189,963,988, C>G on the plus strand (G>C on the coding strand, the complement: P3H2 is on the minus strand). VCF-style: chr3-189963988-C-G. GRCh37 (hg19) VCF-style: chr3-189681777-C-G.
Other names: c.1461G>C, p.Trp487Cys (NM_001134418.2); short protein forms W487C, W668C.
Identifiers: ClinVar variation 452400 (VCV000452400.9), dbSNP rs745507744, ClinGen allele CA2752700.